The following is an entry in ClinVar:

ClinVar aggregate classification (germline): Uncertain significance (1 of 4 stars; one submission).

Conditions:
Lysinuric protein intolerance (LPI). Identifiers: Orphanet 470, MedGen C0268647, MONDO:0009109, OMIM 222700.

gnomAD v4.1: 1 of 1,614,198 alleles (0.000062%); highest among the groups gnomAD compares: South Asian, 0.0011%; no homozygotes.

Submission:

Neuberg Centre For Genomic Medicine, NCGM
Classification: Uncertain significance for Lysinuric protein intolerance. Review status: criteria provided, single submitter. Criteria: ACMG Guidelines, 2015. Collection method: clinical testing. Allele origin: germline. Inheritance: Autosomal recessive inheritance. Affected: yes.
Comment: The observed missense variant c.1307T>G(p.Leu436Arg) in the SLC7A7 gene has not been reported previously as a pathogenic variant nor as a benign variant, to our knowledge. This variant is absent in the gnomAD Exomes. The amino acid Leu at position 436 is changed to a Arg changing protein sequence and it might alter its composition and physico-chemical properties. Multiple lines of computational evidence (Polyphen - Damaging, SIFT - Damaging and MutationTaster - Disease causing) predict a damaging effect on protein structure and function for this variant. The residue is conserved by GERP++ and PhyloP across 100 vertebrates. For these reasons, this variant has been classified as Uncertain Significance.

NM_003982.4(SLC7A7):c.1307T>G (p.Leu436Arg)

Gene: SLC7A7 (solute carrier family 7 member 7; minus strand). Cytogenetic location: 14q11.2.
Variant type: single nucleotide variant.
Coding change: c.1307T>G on transcript NM_003982.4 (MANE Select); coding-DNA position 1307, T replaced by G.
Protein change: p.Leu436Arg; replaces leucine 436 with arginine.
Molecular consequence: missense variant.
Genome position (GRCh38, 1-based): chr14:22,774,055, A>C on the plus strand (T>G on the coding strand, the complement: SLC7A7 is on the minus strand). VCF-style: chr14-22774055-A-C. GRCh37 (hg19) VCF-style: chr14-23243264-A-C.
Other names: c.1307T>G, p.Leu436Arg (NM_001126105.3, NM_001126106.4); short protein forms L436R.
Identifiers: ClinVar variation 3731498 (VCV003731498.1).
Genomic context (GRCh38, chr14:22,774,055, plus strand): 5'-AAGGGCAGGCCTGAGAGGGCAATGGCAATGCCGATGAGGGAGTTGATAGTATCACTGTAA[A>C]GTGGAACAGCCACCAGGAAGATGGTGCAGAGGCAGAAGACAATCGGGAAGAAAACGCTGA-3'
Protein context (NP_003973.3, residues 426-446): LCTIFLVAVP[Leu436Arg]YSDTINSLIG